The following is an entry in ClinVar:

ClinVar aggregate classification (germline): Uncertain significance. Review status: criteria provided, multiple submitters, no conflicts (2 of 4 stars). 5 submissions from 5 submitters: Uncertain significance (5). Last evaluated 2026-07-23.

Conditions:
PLCG2-related disorder. Also called: PLCG2-related condition.
Inborn genetic diseases. Identifiers: MedGen C0950123, MeSH D030342.
Autoinflammation-PLCG2-associated antibody deficiency-immune dysregulation. Also called: Autoinflammation, antibody deficiency, and immune dysregulation, plcg2-associated; Autoinflammation, antibody deficiency, and immune dysregulation syndrome; AUTOINFLAMMATION, ANTIBODY DEFICIENCY, AND IMMUNE DYSREGULATION. Identifiers: Orphanet 324530, MedGen C3553961, MONDO:0013944, OMIM 614878.
Familial cold autoinflammatory syndrome 3 (FCAS3). Also called: FAMILIAL ATYPICAL COLD URTICARIA; ANTIBODY DEFICIENCY AND IMMUNE DYSREGULATION, PLCG2-ASSOCIATED. Identifiers: Orphanet 300359, MedGen C3280914, MONDO:0013766, OMIM 614468.

Allele frequency attached by ClinVar (database versions not stated): ExAC 0.00003; TOPMed 0.00010; gnomAD 0.00015 and 0.00016; 1000 Genomes Project 30x 0.00016; ESP Exome Variant Server 0.00017; 1000 Genomes Project 0.00020.
gnomAD v4.1: 34 of 1,596,616 alleles (0.0021%); highest among the groups gnomAD compares: African/African-American, 0.03%; no homozygotes.

Submissions (5):

PreventionGenetics, part of Exact Sciences
Classification: Uncertain significance for PLCG2-related condition. Last evaluated: 2026-07-23. Review status: criteria provided, single submitter. Criteria: ACMG Guidelines, 2015. Collection method: clinical testing. Allele origin: germline.
Comment: The PLCG2 c.581A>T variant is predicted to result in the amino acid substitution p.Lys194Ile. To our knowledge, this variant has not been reported in the literature. This variant is reported in 0.021% of alleles in individuals of African descent in gnomAD. At this time, the clinical significance of this variant is uncertain due to the absence of conclusive functional and genetic evidence.

Labcorp Genetics (formerly Invitae), Labcorp
Classification: Uncertain significance for Familial cold autoinflammatory syndrome 3. Last evaluated: 2025-06-11. Review status: criteria provided, single submitter. Criteria: Invitae Variant Classification Sherloc (09022015). Collection method: clinical testing. Allele origin: germline.
Comment: This sequence change replaces lysine, which is basic and polar, with isoleucine, which is neutral and non-polar, at codon 194 of the PLCG2 protein (p.Lys194Ile). This variant is present in population databases (rs372054297, gnomAD 0.02%). This variant has not been reported in the literature in individuals affected with PLCG2-related conditions. ClinVar contains an entry for this variant (Variation ID: 1007685). An algorithm developed to predict the effect of missense changes on protein structure and function (PolyPhen-2) suggests that this variant is likely to be disruptive. In summary, the available evidence is currently insufficient to determine the role of this variant in disease. Therefore, it has been classified as a Variant of Uncertain Significance.

Ambry Genetics
Classification: Uncertain significance for Inborn genetic diseases. Last evaluated: 2025-02-01. Review status: criteria provided, single submitter. Criteria: Ambry Variant Classification Scheme 2023. Collection method: clinical testing. Allele origin: germline.

Fulgent Genetics
Classification: Uncertain significance for Familial cold autoinflammatory syndrome 3; Autoinflammation-PLCG2-associated antibody deficiency-immune dysregulation. Last evaluated: 2021-11-18. Review status: criteria provided, single submitter. Criteria: ACMG Guidelines, 2015. Collection method: clinical testing. Allele origin: unknown.

Blueprint Genetics
Classification: Uncertain significance. Last evaluated: 2020-02-04. Review status: criteria provided, single submitter. Criteria: ACMG Guidelines, 2015. Collection method: clinical testing. Allele origin: germline.

NM_002661.5(PLCG2):c.581A>T (p.Lys194Ile)

Gene: PLCG2 (phospholipase C gamma 2; plus strand). Cytogenetic location: 16q23.3.
Variant type: single nucleotide variant.
Coding change: c.581A>T on transcript NM_002661.5 (MANE Select); coding-DNA position 581, A replaced by T.
Protein change: p.Lys194Ile; replaces lysine 194 with isoleucine.
Molecular consequence: missense variant.
Genome position (GRCh38, 1-based): chr16:81,870,868, A>T. VCF-style: chr16-81870868-A-T. GRCh37 (hg19) VCF-style: chr16-81904473-A-T.
Other names: c.581A>T (NM_002661.4, NM_002661.3); short protein forms K194I.
Identifiers: ClinVar variation 1007685 (VCV001007685.13), dbSNP rs372054297, ClinGen allele CA8193307.